The following is an entry in ClinVar:

NM_033026.6(PCLO):c.2710C>T (p.Arg904Cys)

Gene: PCLO (piccolo presynaptic cytomatrix protein; minus strand). Cytogenetic location: 7q21.11.
Variant type: single nucleotide variant.
Coding change: c.2710C>T on transcript NM_033026.6 (MANE Select); coding-DNA position 2710, C replaced by T.
Protein change: p.Arg904Cys; replaces arginine 904 with cysteine.
Molecular consequence: missense variant.
Genome position (GRCh38, 1-based): chr7:83,134,840, G>A on the plus strand (C>T on the coding strand, the complement: PCLO is on the minus strand). VCF-style: chr7-83134840-G-A. GRCh37 (hg19) VCF-style: chr7-82764156-G-A.
Other names: c.2710C>T, p.Arg904Cys (NM_014510.3); c.2710C>T (NM_033026.5); short protein forms R904C.
Identifiers: ClinVar variation 1972799 (VCV001972799.4), dbSNP rs774073890, ClinGen allele CA4321216.

ClinVar aggregate classification (germline): Uncertain significance. Review status: criteria provided, multiple submitters, no conflicts (2 of 4 stars). 2 submissions from 2 submitters: Uncertain significance (2). Last evaluated 2024-05-23.

Conditions:
Inborn genetic diseases. Identifiers: MedGen C0950123, MeSH D030342.

Allele frequency attached by ClinVar (database versions not stated): gnomAD 0.00002; TOPMed 0.00003; ExAC 0.00003.
gnomAD v4.1: 16 of 1,611,978 alleles (0.00099%); highest among the groups gnomAD compares: Admixed American, 0.005%; no homozygotes.

Submissions (3):

Ambry Genetics
Classification: Uncertain significance for Inborn genetic diseases. Last evaluated: 2024-05-23. Review status: criteria provided, single submitter. Criteria: Ambry Variant Classification Scheme 2023. Collection method: clinical testing. Allele origin: germline.

Labcorp Genetics (formerly Invitae), Labcorp
Classification: Uncertain significance. Last evaluated: 2022-08-21. Review status: criteria provided, single submitter. Criteria: Invitae Variant Classification Sherloc (09022015). Collection method: clinical testing. Allele origin: germline.
Comment: This sequence change replaces arginine, which is basic and polar, with cysteine, which is neutral and slightly polar, at codon 904 of the PCLO protein (p.Arg904Cys). This variant is present in population databases (rs774073890, gnomAD 0.009%). This variant has not been reported in the literature in individuals affected with PCLO-related conditions. Algorithms developed to predict the effect of missense changes on protein structure and function are either unavailable or do not agree on the potential impact of this missense change (SIFT: "Deleterious"; PolyPhen-2: "Not Available"; Align-GVGD: "Class C0"). Algorithms developed to predict the effect of sequence changes on RNA splicing suggest that this variant may create or strengthen a splice site. In summary, the available evidence is currently insufficient to determine the role of this variant in disease. Therefore, it has been classified as a Variant of Uncertain Significance.

Dr. Peter K. Rogan Lab, Western University
No classification provided (evidence only). Condition: Squamous cell carcinoma of the head and neck. Review status: no classification provided. Collection method: in vitro. Allele origin: not applicable. Functional consequence: retained intron. Not counted in ClinVar's aggregate classification.